The following is an entry in ClinVar:

ClinVar aggregate classification (germline): Likely pathogenic. Review status: criteria provided, multiple submitters, no conflicts (2 of 4 stars). 2 submissions from 2 submitters: Likely pathogenic (2). Last evaluated 2023-05-07.

Conditions:
INVS-related disorders.
Nephronophthisis. Also called: Juvenile Nephronophthisis. Identifiers: Orphanet 655, MedGen C0687120, MONDO:0019005, HP:0000090.

Submissions (2):

Labcorp Genetics (formerly Invitae), Labcorp
Classification: Likely pathogenic for Nephronophthisis. Last evaluated: 2023-05-07. Review status: criteria provided, single submitter. Criteria: Invitae Variant Classification Sherloc (09022015). Collection method: clinical testing. Allele origin: germline.
Comment: Algorithms developed to predict the effect of sequence changes on RNA splicing suggest that this variant may disrupt the consensus splice site. This sequence change affects a donor splice site in intron 7 of the INVS gene. It is expected to disrupt RNA splicing. Variants that disrupt the donor or acceptor splice site typically lead to a loss of protein function (PMID: 16199547), and loss-of-function variants in INVS are known to be pathogenic (PMID: 12872123). This variant is not present in population databases (gnomAD no frequency). This variant has not been reported in the literature in individuals affected with INVS-related conditions. ClinVar contains an entry for this variant (Variation ID: 2103510). In summary, the currently available evidence indicates that the variant is pathogenic, but additional data are needed to prove that conclusively. Therefore, this variant has been classified as Likely Pathogenic.

Blueprint Genetics
Classification: Likely pathogenic for INVS-related disorders. Last evaluated: 2020-03-26. Review status: criteria provided, single submitter. Criteria: ACMG Guidelines, 2015. Collection method: clinical testing. Allele origin: germline. Affected: yes. Observed: 1 variant allele.

Literature cited by the submitters: PubMed 16199547 (cited by Labcorp Genetics (formerly Invitae), Labcorp); PubMed 12872123 (cited by Labcorp Genetics (formerly Invitae), Labcorp).

NM_014425.5(INVS):c.906+1G>A

Gene: INVS (inversin; plus strand). Cytogenetic location: 9q31.1.
Variant type: single nucleotide variant.
Coding change: c.906+1G>A on transcript NM_014425.5 (MANE Select); the canonical splice donor site of the intron after coding-DNA position 906, G replaced by A.
Molecular consequence: splice donor variant.
Genome position (GRCh38, 1-based): chr9:100,242,680, G>A. VCF-style: chr9-100242680-G-A. GRCh37 (hg19) VCF-style: chr9-103004962-G-A.
Other names: c.618+1G>A (NM_001318381.2); c.-84+1G>A (NM_001318382.2).
Identifiers: ClinVar variation 2103510 (VCV002103510.5), dbSNP rs2491245262, ClinGen allele CA374362202.
Genomic context (GRCh38, chr9:100,242,680, plus strand): 5'-ATCCCATCTGACAGCCAAGGAGCCACACCTTTGCACTATGCTGCTCAGAGTAACTTTGCT[G>A]TAAGTAAAACAAGACAATGCTCTTTTTTCTTAGTGAAAATTGTTATTTTTATATAATTGT-3'